The following is an entry in ClinVar:

ClinVar aggregate classification (germline): Uncertain significance. Review status: criteria provided, single submitter (1 of 4 stars). 2 submissions from 2 submitters: Uncertain significance (1). 1 of the submissions does not count toward it. Last evaluated 2021-08-27.

Conditions:
Autosomal recessive osteopetrosis 1. Also called: ALBERS-SCHONBERG DISEASE, AUTOSOMAL RECESSIVE; TCIRG1-Related Osteopetrosis; TCIRG1-Related Autosomal Recessive Osteopetrosis. Identifiers: Orphanet 667, MedGen C1850127, MONDO:0009815, OMIM 259700.

gnomAD v4.1: 3 of 1,577,458 alleles (0.00019%); highest among the groups gnomAD compares: Admixed American, 0.0036%; no homozygotes.

Submissions (2):

Labcorp Genetics (formerly Invitae), Labcorp
Classification: Uncertain significance. Last evaluated: 2021-08-27. Review status: criteria provided, single submitter. Criteria: Invitae Variant Classification Sherloc (09022015). Collection method: clinical testing. Allele origin: germline.
Comment: This sequence change replaces arginine with glycine at codon 660 of the TCIRG1 protein (p.Arg660Gly). The arginine residue is weakly conserved and there is a moderate physicochemical difference between arginine and glycine. This variant is not present in population databases (ExAC no frequency). This variant has not been reported in the literature in individuals affected with TCIRG1-related conditions. Algorithms developed to predict the effect of missense changes on protein structure and function are either unavailable or do not agree on the potential impact of this missense change (SIFT: "Deleterious"; PolyPhen-2: "Possibly Damaging"; Align-GVGD: "Class C0"). In summary, the available evidence is currently insufficient to determine the role of this variant in disease. Therefore, it has been classified as a Variant of Uncertain Significance.

Natera, Inc.
Classification: Uncertain significance for Infantile malignant osteopetrosis. Last evaluated: 2020-04-26. Review status: no assertion criteria provided. Collection method: clinical testing. Allele origin: germline. Not counted in ClinVar's aggregate classification.

NM_006019.4(TCIRG1):c.1978C>G (p.Arg660Gly)

Gene: TCIRG1 (T cell immune regulator 1, ATPase H+ transporting V0 subunit a3; plus strand). Cytogenetic location: 11q13.2.
Variant type: single nucleotide variant.
Coding change: c.1978C>G on transcript NM_006019.4 (MANE Select); coding-DNA position 1978, C replaced by G.
Protein change: p.Arg660Gly; replaces arginine 660 with glycine.
Molecular consequence: missense variant.
Genome position (GRCh38, 1-based): chr11:68,049,753, C>G. VCF-style: chr11-68049753-C-G. GRCh37 (hg19) VCF-style: chr11-67817220-C-G.
Other names: c.1084C>G, p.Arg362Gly (NM_001351059.2); c.1330C>G, p.Arg444Gly (NM_006053.4); short protein forms R444G, R362G, R660G.
Identifiers: ClinVar variation 1045904 (VCV001045904.7), dbSNP rs528045019, ClinGen allele CA381588941.